The following is an entry in ClinVar:

NM_020719.3(PRR12):c.5958G>A (p.Arg1986=)

Gene: PRR12 (proline rich 12; plus strand). Cytogenetic location: 19q13.33.
Variant type: single nucleotide variant.
Coding change: c.5958G>A on transcript NM_020719.3 (MANE Select); coding-DNA position 5958, G replaced by A.
Protein change: p.Arg1986=; no amino-acid change (arginine 1986 retained).
Molecular consequence: synonymous variant.
Genome position (GRCh38, 1-based): chr19:49,625,194, G>A. VCF-style: chr19-49625194-G-A. GRCh37 (hg19) VCF-style: chr19-50128451-G-A.
Identifiers: ClinVar variation 4281474 (VCV004281474.7).

ClinVar aggregate classification (germline): Likely benign (1 of 4 stars; one submission).

gnomAD v4.1: 2 of 1,613,304 alleles (0.00012%); highest among the groups gnomAD compares: Non-Finnish European, 0.00017%; no homozygotes.

Submission:

CeGaT Center for Human Genetics Tuebingen
Classification: Likely benign. Last evaluated: 2025-09-01. Review status: criteria provided, single submitter. Criteria: CeGaT Center For Human Genetics Tuebingen Variant Classification Criteria Version 2. Collection method: clinical testing. Allele origin: germline. Affected: yes. Observed: 1 variant allele.
Comment: PRR12: BP4, BP7